The following is an entry in ClinVar:

ClinVar aggregate classification (germline): Uncertain significance (1 of 4 stars; one submission).

Conditions:
Fanconi anemia (FA). Also called: Fanconi's anemia. Identifiers: Orphanet 84, MedGen C0015625, MeSH D005199, MONDO:0019391.

Submission:

Labcorp Genetics (formerly Invitae), Labcorp
Classification: Uncertain significance for Fanconi anemia. Last evaluated: 2021-12-29. Review status: criteria provided, single submitter. Criteria: Invitae Variant Classification Sherloc (09022015). Collection method: clinical testing. Allele origin: germline.
Comment: This sequence change replaces arginine, which is basic and polar, with methionine, which is neutral and non-polar, at codon 722 of the FANCB protein (p.Arg722Met). This variant also falls at the last nucleotide of exon 9, which is part of the consensus splice site for this exon. In summary, the available evidence is currently insufficient to determine the role of this variant in disease. Therefore, it has been classified as a Variant of Uncertain Significance. Variants that disrupt the consensus splice site are a relatively common cause of aberrant splicing (PMID: 17576681, 9536098). Algorithms developed to predict the effect of sequence changes on RNA splicing suggest that this variant may disrupt the consensus splice site. Algorithms developed to predict the effect of missense changes on protein structure and function are either unavailable or do not agree on the potential impact of this missense change (SIFT: "Deleterious"; PolyPhen-2: "Probably Damaging"; Align-GVGD: "Class C0"). This variant has not been reported in the literature in individuals affected with FANCB-related conditions. This variant is not present in population databases (gnomAD no frequency).

Literature cited by the submitters: PubMed 17576681; PubMed 9536098.

NM_001018113.3(FANCB):c.2165G>T (p.Arg722Met)

Gene: FANCB (FA complementation group B; minus strand). Cytogenetic location: Xp22.2.
Variant type: single nucleotide variant.
Coding change: c.2165G>T on transcript NM_001018113.3 (MANE Select); coding-DNA position 2165, G replaced by T.
Protein change: p.Arg722Met; replaces arginine 722 with methionine.
Molecular consequence: missense variant.
Genome position (GRCh38, 1-based): chrX:14,844,503, C>A on the plus strand (G>T on the coding strand, the complement: FANCB is on the minus strand). VCF-style: chrX-14844503-C-A. GRCh37 (hg19) VCF-style: chrX-14862625-C-A.
Other names: c.2165G>T, p.Arg722Met (NM_001324162.2, NM_001410764.1, NM_152633.4); short protein forms R722M.
Identifiers: ClinVar variation 2064551 (VCV002064551.4), dbSNP rs2518950212, ClinGen allele CA412438036.